The following is an entry in ClinVar:

NM_001735.3(C5):c.1000+5_1000+6insGCGTGT

Gene: C5 (complement C5; minus strand). Cytogenetic location: 9q33.2.
Variant type: Microsatellite.
Coding change: c.1000+5_1000+6insGCGTGT on transcript NM_001735.3 (MANE Select); bases 5 to 6 of the intron after coding-DNA position 1000, GCGTGT inserted.
Molecular consequence: intron variant.
Genome position: GRCh38 VCF-style: chr9-121025448-A-ACACACG. GRCh37 (hg19) VCF-style: chr9-123787726-A-ACACACG.
Other names: c.1018+5_1018+6insGCGTGT (NM_001317163.2); c.1000+5_1000+6insGCGTGT (NM_001317164.2).
Identifiers: ClinVar variation 2815626 (VCV002815626.3), dbSNP rs778347866.

ClinVar aggregate classification (germline): Uncertain significance (1 of 4 stars; one submission).

Submission:

Labcorp Genetics (formerly Invitae), Labcorp
Classification: Uncertain significance. Last evaluated: 2023-12-11. Review status: criteria provided, single submitter. Criteria: Invitae Variant Classification Sherloc (09022015). Collection method: clinical testing. Allele origin: germline.
Comment: This sequence change falls in intron 9 of the C5 gene. It does not directly change the encoded amino acid sequence of the C5 protein. It affects a nucleotide within the consensus splice site. This variant is not present in population databases (gnomAD no frequency). This variant has not been reported in the literature in individuals affected with C5-related conditions. Variants that disrupt the consensus splice site are a relatively common cause of aberrant splicing (PMID: 17576681, 9536098). Algorithms developed to predict the effect of sequence changes on RNA splicing suggest that this variant is not likely to affect RNA splicing. In summary, the available evidence is currently insufficient to determine the role of this variant in disease. Therefore, it has been classified as a Variant of Uncertain Significance.

Literature cited by the submitters: PubMed 17576681; PubMed 9536098.